The following is an entry in ClinVar:

ClinVar aggregate classification (germline): Uncertain significance. Review status: criteria provided, multiple submitters, no conflicts (2 of 4 stars). 2 submissions from 2 submitters: Uncertain significance (2). Last evaluated 2025-08-20.

Conditions:
Inborn genetic diseases. Identifiers: MedGen C0950123, MeSH D030342.
Baller-Gerold syndrome (BGS). Also called: CRANIOSYNOSTOSIS WITH RADIAL DEFECTS. Identifiers: Orphanet 1225, MedGen C0265308, MONDO:0009039, OMIM 218600.

Allele frequency attached by ClinVar (database versions not stated): gnomAD exomes below 0.00001; ExAC 0.00005.
gnomAD v4.1: 2 of 1,565,920 alleles (0.00013%); highest among the groups gnomAD compares: Middle Eastern, 0.017%; no homozygotes.

Submissions (2):

Ambry Genetics
Classification: Uncertain significance for Inborn genetic diseases. Last evaluated: 2025-08-20. Review status: criteria provided, single submitter. Criteria: Ambry Variant Classification Scheme 2023. Collection method: clinical testing. Allele origin: germline.
Comment: The p.P667S variant (also known as c.1999C>T), located in coding exon 12 of the RECQL4 gene, results from a C to T substitution at nucleotide position 1999. The proline at codon 667 is replaced by serine, an amino acid with similar properties. This amino acid position is conserved. In addition, this alteration is predicted to be tolerated by in silico analysis. Based on the available evidence, the clinical significance of this variant remains unclear.

Labcorp Genetics (formerly Invitae), Labcorp
Classification: Uncertain significance for Baller-Gerold syndrome. Last evaluated: 2023-11-01. Review status: criteria provided, single submitter. Criteria: Invitae Variant Classification Sherloc (09022015). Collection method: clinical testing. Allele origin: germline.
Comment: This sequence change replaces proline, which is neutral and non-polar, with serine, which is neutral and polar, at codon 667 of the RECQL4 protein (p.Pro667Ser). The frequency data for this variant in the population databases is considered unreliable, as metrics indicate poor data quality at this position in the gnomAD database. This variant has not been reported in the literature in individuals affected with RECQL4-related conditions. ClinVar contains an entry for this variant (Variation ID: 2185067). Advanced modeling of protein sequence and biophysical properties (such as structural, functional, and spatial information, amino acid conservation, physicochemical variation, residue mobility, and thermodynamic stability) performed at Invitae indicates that this missense variant is not expected to disrupt RECQL4 protein function with a negative predictive value of 80%. In summary, the available evidence is currently insufficient to determine the role of this variant in disease. Therefore, it has been classified as a Variant of Uncertain Significance.

NM_004260.4(RECQL4):c.1999C>T (p.Pro667Ser)

Gene: RECQL4 (RecQ like helicase 4; minus strand). Cytogenetic location: 8q24.3.
Variant type: single nucleotide variant.
Coding change: c.1999C>T on transcript NM_004260.4 (MANE Select); coding-DNA position 1999, C replaced by T.
Protein change: p.Pro667Ser; replaces proline 667 with serine.
Molecular consequence: missense variant.
Genome position (GRCh38, 1-based): chr8:144,513,987, G>A on the plus strand (C>T on the coding strand, the complement: RECQL4 is on the minus strand). VCF-style: chr8-144513987-G-A. GRCh37 (hg19) VCF-style: chr8-145739371-G-A.
Other names: c.862C>T, p.Pro288Ser (NM_001413041.1, NM_001413027.1, NM_001413030.1 and 1 more transcripts); c.898C>T, p.Pro300Ser (NM_001413042.1); c.532C>T, p.Pro178Ser (NM_001413043.1); c.1903C>T, p.Pro635Ser (NM_001413017.1, NM_001413020.1); c.1999C>T, p.Pro667Ser (NM_001413018.1, NM_001413019.1, NM_001413036.1); c.928C>T, p.Pro310Ser (NM_001413021.1, NM_001413022.1, NM_001413023.1 and 6 more transcripts); c.1870C>T, p.Pro624Ser (NM_001413025.1); c.1648C>T, p.Pro550Ser (NM_001413029.1); and 5 more; short protein forms P288S, P310S, P178S, P244S, P624S, P657S, P667S, P266S.
Identifiers: ClinVar variation 2185067 (VCV002185067.5), dbSNP rs770382665, ClinGen allele CA4948548.